The following is an entry in ClinVar:

ClinVar aggregate classification (germline): Uncertain significance (1 of 4 stars; one submission).

Allele frequency attached by ClinVar (database versions not stated): TOPMed below 0.00001.

Submission:

GeneDx
Classification: Uncertain significance. Last evaluated: 2020-01-24. Review status: criteria provided, single submitter. Criteria: GeneDx Variant Classification Process June 2021. Collection method: clinical testing. Allele origin: germline. Affected: yes.
Comment: Not observed in large population cohorts (Lek et al., 2016); In silico analysis, which includes protein predictors and evolutionary conservation, supports a deleterious effect; Has not been previously published as pathogenic or benign to our knowledge

NM_031475.3(ESPN):c.584G>A (p.Cys195Tyr)

Gene: ESPN (espin; plus strand). Cytogenetic location: 1p36.31.
Variant type: single nucleotide variant.
Coding change: c.584G>A on transcript NM_031475.3 (MANE Select); coding-DNA position 584, G replaced by A.
Protein change: p.Cys195Tyr; replaces cysteine 195 with tyrosine.
Molecular consequence: missense variant.
Genome position (GRCh38, 1-based): chr1:6,440,349, G>A. VCF-style: chr1-6440349-G-A. GRCh37 (hg19) VCF-style: chr1-6500409-G-A.
Other names: c.584G>A, p.Cys195Tyr (NM_001367473.1, NM_001367474.1); short protein forms C195Y.
Identifiers: ClinVar variation 1315019 (VCV001315019.2), dbSNP rs1348544836, ClinGen allele CA338089446.